The following is an entry in ClinVar:

ClinVar aggregate classification (germline): Likely pathogenic. Review status: criteria provided, multiple submitters, no conflicts (2 of 4 stars). 2 submissions from 2 submitters: Likely pathogenic (2). Last evaluated 2024-02-26.

Conditions:
Cerebrooculofacioskeletal syndrome 2 (COFS2). Identifiers: MedGen C1853102, MONDO:0012553, OMIM 610756.

Submissions (2):

Baylor Genetics
Classification: Likely pathogenic for Cerebrooculofacioskeletal syndrome 2. Last evaluated: 2024-02-26. Review status: criteria provided, single submitter. Criteria: ACMG Guidelines, 2015. Collection method: clinical testing. Allele origin: unknown.

Labcorp Genetics (formerly Invitae), Labcorp
Classification: Likely pathogenic. Last evaluated: 2022-11-22. Review status: criteria provided, single submitter. Criteria: Invitae Variant Classification Sherloc (09022015). Collection method: clinical testing. Allele origin: germline.
Comment: This variant is not present in population databases (gnomAD no frequency). In summary, the currently available evidence indicates that the variant is pathogenic, but additional data are needed to prove that conclusively. Therefore, this variant has been classified as Likely Pathogenic. Algorithms developed to predict the effect of sequence changes on RNA splicing suggest that this variant may disrupt the consensus splice site. ClinVar contains an entry for this variant (Variation ID: 1472051). This variant has not been reported in the literature in individuals affected with ERCC2-related conditions. This variant results in the deletion of part of exon 10 (c.948_949+2delinsCCC) of the ERCC2 gene. It is expected to disrupt RNA splicing. Variants that disrupt the donor or acceptor splice site typically lead to a loss of protein function (PMID: 16199547), and loss-of-function variants in ERCC2 are known to be pathogenic (PMID: 9238033, 11335038, 19085937, 19934020).

Literature cited by the submitters: PubMed 16199547 (cited by Labcorp Genetics (formerly Invitae), Labcorp); PubMed 9238033 (cited by Labcorp Genetics (formerly Invitae), Labcorp); PubMed 11335038 (cited by Labcorp Genetics (formerly Invitae), Labcorp); PubMed 19085937 (cited by Labcorp Genetics (formerly Invitae), Labcorp); PubMed 19934020 (cited by Labcorp Genetics (formerly Invitae), Labcorp).

NM_000400.4(ERCC2):c.948_949+2delinsCCC

Gene: ERCC2 (ERCC excision repair 2, TFIIH core complex helicase subunit; minus strand). Cytogenetic location: 19q13.32.
Variant type: Indel.
Coding change: c.948_949+2delinsCCC on transcript NM_000400.4 (MANE Select); coding-DNA position 948 through the canonical splice donor site of the intron after coding-DNA position 949, GGGT replaced by CCC.
Molecular consequence: splice donor variant.
Genome position (GRCh38, 1-based): chr19:45,363,984-45,363,987, ACCC replaced by GGG on the plus strand (GGGT replaced by CCC on the coding strand, the reverse complement: ERCC2 is on the minus strand). VCF-style: chr19-45363984-ACCC-GGG. GRCh37 (hg19) VCF-style: chr19-45867242-ACCC-GGG.
Other names: c.876_877+2delinsCCC (NM_001130867.2).
Identifiers: ClinVar variation 3241401 (VCV003241401.2), dbSNP rs2514029566.
Genomic context (GRCh38, chr19:45,363,984, plus strand): 5'-GCTATCAGCGGCGACGGGGAGGCGGGAAAGGGACTGGGGGGCAGCGGGGGGTCGGGGCTC[ACCC>GGG]TGCAGCACTTCGTCGGGCAGCACGGGGTTGGCCAGGTGGGCGTCCGTCTCCCGGGCGGCG-3'